The following is an entry in ClinVar:

ClinVar aggregate classification (germline): Uncertain significance (0 of 4 stars; one submission).

Conditions:
NEBL-related disorder. Also called: NEBL-related condition.

Submission:

PreventionGenetics, part of Exact Sciences
Classification: Uncertain significance for NEBL-related condition. Last evaluated: 2024-04-12. Review status: no assertion criteria provided. Collection method: clinical testing. Allele origin: germline.
Comment: The NEBL c.1172delT variant is predicted to result in premature protein termination (p.Leu391*). To our knowledge, this variant has not been reported in the literature. This variant is reported in 0.0029% of alleles in individuals of Latino descent in gnomAD. Loss of function has not been conclusively established as a mechanism for NEBL-related disorders. At this time, the clinical significance of this variant is uncertain due to the absence of conclusive functional and genetic evidence.

NM_006393.3(NEBL):c.1172del (p.Asp390_Leu391insTer)

Gene: NEBL (nebulette; minus strand). Cytogenetic location: 10p12.31.
Variant type: Deletion.
Coding change: c.1172del on transcript NM_006393.3 (MANE Select); coding-DNA position 1172, one base deleted (T; older notation c.1172delT).
Protein change: p.Asp390_Leu391insTer.
Molecular consequence: nonsense. On other transcripts: intron variant (9), frameshift variant (1).
Genome position (GRCh38, 1-based): chr10:20,845,313, A deleted on the plus strand (T on the coding strand, the reverse complement: NEBL is on the minus strand); the first of 3 consecutive A bases (chr10:20,845,313-20,845,315); deleting any one gives the same sequence. VCF-style (leftmost placement, unchanged base first): chr10-20845312-TA-T. GRCh37 (hg19) VCF-style: chr10-21134241-TA-T.
Other names: c.250-32373del (NM_001377326.1, NM_001377327.1, NM_001377328.1); c.358-32373del (NM_213569.2, NM_001173484.2, NM_001377322.1); c.301-32373del (NM_001377324.1); c.292-32373del (NM_001377325.1); c.310-32373del (NM_001377323.1); c.1172delT (NM_006393.2).
Identifiers: ClinVar variation 3358219 (VCV003358219.1).